The following is an entry in ClinVar:

ClinVar aggregate classification (germline): Conflicting classifications of pathogenicity. Review status: criteria provided, conflicting classifications (1 of 4 stars). 3 submissions from 3 submitters: Uncertain significance (2); Likely benign (1). Last evaluated 2024-09-13.

Conditions:
Hereditary cancer-predisposing syndrome. Also called: Neoplastic Syndromes, Hereditary; Tumor predisposition; Hereditary Cancer Syndrome; Hereditary neoplastic syndrome. Identifiers: Orphanet 140162, MedGen C0027672, MeSH D009386, MONDO:0015356.

Submissions (3):

GeneDx
Classification: Uncertain significance. Last evaluated: 2024-09-13. Review status: criteria provided, single submitter. Criteria: GeneDx Variant Classification Process June 2021. Collection method: clinical testing. Allele origin: germline. Affected: yes.
Comment: Not observed at significant frequency in large population cohorts (gnomAD); In silico analysis supports that this missense variant has a deleterious effect on protein structure/function; Has not been previously published as pathogenic or benign to our knowledge; Also known as 3150G>A; This variant is associated with the following publications: (PMID: 32377563, 25567908, 29884841, 31853058, 15343273)

University of Washington Department of Laboratory Medicine, University of Washington
Classification: Likely benign for Hereditary cancer-predisposing syndrome. Last evaluated: 2023-03-23. Review status: criteria provided, single submitter. Criteria: Dines et al. (Genet Med. 2020). Collection method: curation. Allele origin: germline.
Comment: Missense variant in a coldspot region where missense variants are very unlikely to be pathogenic (PMID:31911673).

BRCA1 coldspot (exon 11 using historical exon numbering). Reclassification based on statistical prior probability

Ambry Genetics
Classification: Uncertain significance for Hereditary cancer-predisposing syndrome. Last evaluated: 2015-07-14. Review status: criteria provided, single submitter. Criteria: Ambry Variant Classification Scheme 2023. Collection method: clinical testing. Allele origin: germline.
Comment: The p.E1011K variant (also known as c.3031G>A or 3150G>A), located in coding exon 9 of the BRCA1 gene, results from a G to A substitution at nucleotide position 3031. The glutamic acid at codon 1011 is replaced by lysine, an amino acid with similar properties. This variant was not reported in population based cohorts in the following databases: Database of Single Nucleotide Polymorphisms (dbSNP), NHLBI Exome Sequencing Project (ESP), and 1000 Genomes Project. In the ESP, this variant was not observed in 6503 samples (13006 alleles) with coverage of 6503 at this position. To date, this alteration has been detected with an allele frequency of approximately 0.001% (greater than 150000 alleles tested) in our clinical cohort. This amino acid position is well conserved in available vertebrate species. In addition, the in silico prediction for this alteration is inconclusive. Since supporting evidence is limited at this time, the clinical significance of p.E1011K remains unclear.

NM_007294.4(BRCA1):c.3031G>A (p.Glu1011Lys)

Gene: BRCA1 (BRCA1 DNA repair associated; minus strand). Cytogenetic location: 17q21.31.
Variant type: single nucleotide variant.
Coding change: c.3031G>A on transcript NM_007294.4 (MANE Select); coding-DNA position 3031, G replaced by A.
Protein change: p.Glu1011Lys; replaces glutamic acid 1011 with lysine.
Molecular consequence: missense variant. On other transcripts: intron variant (137).
Genome position (GRCh38, 1-based): chr17:43,092,500, C>T on the plus strand (G>A on the coding strand, the complement: BRCA1 is on the minus strand). VCF-style: chr17-43092500-C-T. GRCh37 (hg19) VCF-style: chr17-41244517-C-T.
Other names: c.578-1468G>A (NM_001408484.1, NM_001408478.1, NM_001408514.1 and 9 more transcripts); c.662-1468G>A (NM_001408450.1, NM_001408434.1, NM_001408447.1 and 6 more transcripts); c.785-1468G>A (NM_001408398.1, NM_001407992.1, NM_001408400.1 and 13 more transcripts); c.665-1468G>A (NM_001408440.1, NM_001408428.1, NM_001408441.1 and 12 more transcripts); c.671-1468G>A (NM_001408418.1, NM_001408423.1, NM_001408420.1 and 2 more transcripts); c.788-1468G>A (NM_001407981.1, NM_007298.4, NM_001407978.1 and 17 more transcripts); c.644-1468G>A (NM_001408462.1, NM_001408470.1, NM_001408464.1 and 3 more transcripts); c.710-1468G>A (NM_001408414.1, NM_001408411.1, NM_001408415.1 and 2 more transcripts); and 41 more; short protein forms E1011K, E964K, E883K, E941K, E970K, E943K, E944K, E963K.
Identifiers: ClinVar variation 232759 (VCV000232759.9), dbSNP rs876659974, ClinGen allele CA10580582.